The following is an entry in ClinVar:

ClinVar aggregate classification (germline): Uncertain significance. Review status: criteria provided, multiple submitters, no conflicts (2 of 4 stars). 2 submissions from 2 submitters: Uncertain significance (2). Last evaluated 2025-03-27.

Allele frequency attached by ClinVar (database versions not stated): ExAC 0.00001; gnomAD exomes below 0.00001; gnomAD 0.00001.
gnomAD v4.1: 7 of 1,612,116 alleles (0.00043%); highest among the groups gnomAD compares: East Asian, 0.011%; no homozygotes.

Submissions (2):

Ambry Genetics
Classification: Uncertain significance. Last evaluated: 2025-03-27. Review status: criteria provided, single submitter. Criteria: Ambry Variant Classification Scheme 2023. Collection method: clinical testing. Allele origin: germline.

Labcorp Genetics (formerly Invitae), Labcorp
Classification: Uncertain significance. Last evaluated: 2024-07-13. Review status: criteria provided, single submitter. Criteria: Invitae Variant Classification Sherloc (09022015). Collection method: clinical testing. Allele origin: germline.
Comment: This sequence change replaces histidine, which is basic and polar, with tyrosine, which is neutral and polar, at codon 643 of the DHX32 protein (p.His643Tyr). This variant is present in population databases (rs755527693, gnomAD 0.03%). This variant has not been reported in the literature in individuals affected with DHX32-related conditions. ClinVar contains an entry for this variant (Variation ID: 2172036). An algorithm developed to predict the effect of missense changes on protein structure and function (PolyPhen-2) suggests that this variant is likely to be disruptive. In summary, the available evidence is currently insufficient to determine the role of this variant in disease. Therefore, it has been classified as a Variant of Uncertain Significance.

NM_018180.3(DHX32):c.1927C>T (p.His643Tyr)

Genes: BCCIP (BRCA2 and CDKN1A interacting protein; plus strand), DHX32 (DEAH-box helicase 32 (putative); minus strand). Cytogenetic location: 10q26.2.
Variant type: single nucleotide variant.
Coding change: c.1927C>T on transcript NM_018180.3 (MANE Select); coding-DNA position 1927, C replaced by T.
Protein change: p.His643Tyr; replaces histidine 643 with tyrosine.
Molecular consequence: missense variant. On other transcripts: intron variant (2).
Genome position (GRCh38, 1-based): chr10:125,838,342, G>A on the plus strand (C>T on the coding strand, the complement: DHX32 is on the minus strand). VCF-style: chr10-125838342-G-A. GRCh37 (hg19) VCF-style: chr10-127526911-G-A.
Other names: c.775-2913G>A (NM_016567.4, NM_078469.3); short protein forms H643Y.
Identifiers: ClinVar variation 2172036 (VCV002172036.4), dbSNP rs755527693, ClinGen allele CA5739006.
Genomic context (GRCh38, chr10:125,838,342, plus strand): 5'-CTGGCATCTTCTTGGTGATTGAGTAACCAGACAGGGGATGCAGCTGAGCAACCTGCTTAT[G>A]TGTCAGCATTAAGTAGTTACCTGATCCATCAACATCCCGAGCAATCTGAAAGGCAGAATT-3'
Protein context (NP_060650.2, residues 633-653): DGSGNYLMLT[His643Tyr]KQVAQLHPLS